The following is an entry in ClinVar:

NM_000540.3(RYR1):c.9917C>A (p.Ala3306Asp)

Gene: RYR1 (ryanodine receptor 1; plus strand). Cytogenetic location: 19q13.2.
Variant type: single nucleotide variant.
Coding change: c.9917C>A on transcript NM_000540.3 (MANE Select); coding-DNA position 9917, C replaced by A.
Protein change: p.Ala3306Asp; replaces alanine 3306 with aspartic acid.
Molecular consequence: missense variant.
Genome position (GRCh38, 1-based): chr19:38,517,590, C>A. VCF-style: chr19-38517590-C-A. GRCh37 (hg19) VCF-style: chr19-39008230-C-A.
Other names: c.9917C>A, p.Ala3306Asp (NM_001042723.2); short protein forms A3306D.
Identifiers: ClinVar variation 3385516 (VCV003385516.1).

ClinVar aggregate classification (germline): Uncertain significance (1 of 4 stars; one submission).

Conditions:
Malignant hyperthermia, susceptibility to, 1 (MHS1). Also called: Anesthesia related hyperthermia; Malignant hyperpyrexia; Fulminating hyperpyrexia; Pharmacogenic myopathy; Malignant hyperthermia suceptibility 1; RYR1-Related Malignant Hyperthermia Susceptibility. Identifiers: Orphanet 423, MedGen C2930980, MONDO:0007783, OMIM 145600.

Submission:

All of Us Research Program, National Institutes of Health
Classification: Uncertain significance for Malignant hyperthermia, susceptibility to, 1. Last evaluated: 2024-08-30. Review status: criteria provided, single submitter. Criteria: ACMG Guidelines, 2015. Collection method: clinical testing. Allele origin: germline. Inheritance: Autosomal dominant inheritance. Observed: 1 variant allele, 1 heterozygote.
Comment: This study involves interpretation of variants in research participants for the purpose of population health screening. Participant phenotype was not available at the time of variant classification. Additional details can be found in publication PMID: 35346344, PMCID: PMC8962531